The following is an entry in ClinVar:

NM_005188.4(CBL):c.2710G>A (p.Val904Ile)

Gene: CBL (Cbl proto-oncogene; plus strand). Cytogenetic location: 11q23.3.
Variant type: single nucleotide variant.
Coding change: c.2710G>A on transcript NM_005188.4 (MANE Select); coding-DNA position 2710, G replaced by A.
Protein change: p.Val904Ile; replaces valine 904 with isoleucine.
Molecular consequence: missense variant.
Genome position (GRCh38, 1-based): chr11:119,299,770, G>A. VCF-style: chr11-119299770-G-A. GRCh37 (hg19) VCF-style: chr11-119170480-G-A.
Other names: p.V904I:GTA>ATA; short protein forms V904I.
Identifiers: ClinVar variation 133813 (VCV000133813.60), dbSNP rs17122769, ClinGen allele CA157869.

ClinVar aggregate classification (germline): Benign/Likely benign. Review status: criteria provided, multiple submitters, no conflicts (2 of 4 stars). 17 submissions from 17 submitters: Benign (12); Likely benign (4). 1 of the submissions does not count toward it. Last evaluated 2026-02-03.

Conditions:
CBL-related disorder. Also called: NOONAN SYNDROME-LIKE DISORDER WITHOUT JUVENILE MYELOMONOCYTIC LEUKEMIA; CBL MUTATION-ASSOCIATED SYNDROME; CBL SYNDROME. Identifiers: Orphanet 363972, MedGen C3150803, MONDO:0013308, OMIM 613563.
Noonan syndrome and Noonan-related syndrome. Identifiers: Orphanet 98733, MedGen C5681679, MONDO:0020297.
Cardiovascular phenotype. Identifiers: MedGen CN230736.
Hereditary cancer-predisposing syndrome. Also called: Tumor predisposition; Hereditary neoplastic syndrome; Neoplastic Syndromes, Hereditary; Hereditary Cancer Syndrome. Identifiers: Orphanet 140162, MedGen C0027672, MeSH D009386, MONDO:0015356.
RASopathy. Also called: rasopathies; Noonan spectrum disorder. Identifiers: Orphanet 536391, MedGen C5555857, MONDO:0021060.
Juvenile myelomonocytic leukemia (JMML). Also called: LEUKEMIA, JUVENILE MYELOMONOCYTIC, SOMATIC. Identifiers: Orphanet 86834, MedGen C0349639, MONDO:0011908, OMIM 607785, HP:0012209.

Allele frequency attached by ClinVar (database versions not stated): gnomAD exomes 0.00046 and 0.00119; ExAC 0.00141; gnomAD 0.00428 and 0.00454; TOPMed 0.00488; ESP Exome Variant Server 0.00516; 1000 Genomes Project 0.00599; 1000 Genomes Project 30x 0.00656.
gnomAD v4.1: 1,329 of 1,614,104 alleles (0.082%); highest among the groups gnomAD compares: African/African-American, 1.4%; 7 homozygotes.

Submissions (17):

Labcorp Genetics (formerly Invitae), Labcorp
Classification: Benign for RASopathy. Last evaluated: 2026-02-03. Review status: criteria provided, single submitter. Criteria: Invitae Variant Classification Sherloc (09022015). Collection method: clinical testing. Allele origin: germline.

Molecular Diagnostics Laboratory, Catalan Institute of Oncology
Classification: Benign for Hereditary cancer-predisposing syndrome. Last evaluated: 2024-12-11. Review status: criteria provided, single submitter. Criteria: ACMG Guidelines, 2015. Collection method: clinical testing. Allele origin: germline.
Comment: BA1, BP4 c.2710G>A, located in exon 16 of the CBL gene, is predicted to result in the substitution of valine by isoleucine at codon 904, p.(Val904Ile). The variant allele was found in 387/268190 alleles, with a filtering allele frequency of 1,2% at 99% confidence, within the African population in the gnomAD v2.1.1 database (non-cancer data set) (BA1). The SpliceAI algorithm predicts no significant impact on splicing. The REVEL meta-predictor score for this variant (0.227) suggests that it does not affect the protein function according to Pejaver et al, 2022 thresholds (PMID: 36413997) (BP4). To our knowledge, no well-established functional studies have been reported for this variant. This variant has been reported in the ClinVar database (11x benign, 3x likely benign) and in LOVD (1x benign). Based on currently available information, the variant c.2710G>A should be considered a benign variant, according to ACMG/AMP classification guidelines.

Blueprint Genetics
Classification: Likely benign. Last evaluated: 2024-10-24. Review status: criteria provided, single submitter. Criteria: ACMG Guidelines, 2015. Collection method: clinical testing. Allele origin: germline.

CeGaT Center for Human Genetics Tuebingen
Classification: Benign. Last evaluated: 2024-01-01. Review status: criteria provided, single submitter. Criteria: CeGaT Center For Human Genetics Tuebingen Variant Classification Criteria Version 2. Collection method: clinical testing. Allele origin: germline. Affected: yes. Observed: 1 variant allele.
Comment: CBL: BP4, BS1, BS2

KCCC/NGS Laboratory, Kuwait Cancer Control Center
Classification: Benign for Juvenile myelomonocytic leukemia. Last evaluated: 2023-07-07. Review status: criteria provided, single submitter. Criteria: ACMG Guidelines, 2015. Collection method: clinical testing. Allele origin: germline. Affected: yes.

ARUP Laboratories, Molecular Genetics and Genomics, ARUP Laboratories
Classification: Benign. Last evaluated: 2022-03-21. Review status: criteria provided, single submitter. Criteria: ARUP Molecular Germline Variant Investigation Process 2021. Collection method: clinical testing. Allele origin: germline.

Women's Health and Genetics/Laboratory Corporation of America, LabCorp
Classification: Benign. Last evaluated: 2020-02-03. Review status: criteria provided, single submitter. Criteria: LabCorp Variant Classification Summary - May 2015. Collection method: clinical testing. Allele origin: germline.
Comment: Variant summary: CBL c.2710G>A (p.Val904Ile) results in a conservative amino acid change in the encoded protein sequence. Four of five in-silico tools predict a benign effect of the variant on protein function. The variant allele was found at a frequency of 0.0015 in 282710 control chromosomes, predominantly at a frequency of 0.014 within the African or African-American subpopulation in the gnomAD database, including 1 homozygotes. The observed variant frequency within African or African-American control individuals in the gnomAD database is approximately 5600 fold of the estimated maximal expected allele frequency for a pathogenic variant in CBL causing Noonan Syndrome and Related Conditions phenotype (2.5e-06), strongly suggesting that the variant is a benign polymorphism found primarily in populations of African or African-American origin. To our knowledge, no experimental evidence demonstrating its impact on protein function have been reported. Four clinical ClinVar submitters (evaluation after 2014) cite the variant as likely benign (2x) and benign (2x). Based on the evidence outlined above, the variant was classified as benign.

Ambry Genetics
Classification: Benign for Cardiovascular phenotype. Last evaluated: 2019-10-31. Review status: criteria provided, single submitter. Criteria: Ambry Variant Classification Scheme 2023. Collection method: clinical testing. Allele origin: germline.

Illumina Laboratory Services, Illumina
Classification: Benign for CBL-related disorder. Last evaluated: 2018-01-13. Review status: criteria provided, single submitter. Criteria: ICSL Variant Classification Criteria 13 December 2019. Collection method: clinical testing. Allele origin: germline.
Comment: This variant was observed in the ICSL laboratory as part of a predisposition screen in an ostensibly healthy population. It had not been previously curated by ICSL or reported in the Human Gene Mutation Database (HGMD: prior to June 1st, 2018), and was therefore a candidate for classification through an automated scoring system. Utilizing variant allele frequency, disease prevalence and penetrance estimates, and inheritance mode, an automated score was calculated to assess if this variant is too frequent to cause the disease. Based on the score and internal cut-off values, a variant classified as benign is not then subjected to further curation. The score for this variant resulted in a classification of benign for this disease.

Genetic Services Laboratory, University of Chicago
Classification: Benign. Last evaluated: 2017-11-01. Review status: criteria provided, single submitter. Criteria: ACMG Guidelines, 2015. Collection method: clinical testing. Allele origin: germline. Affected: no.

Center for Pediatric Genomic Medicine, Children's Mercy Hospital and Clinics
Classification: Likely benign. Last evaluated: 2017-07-19. Review status: criteria provided, single submitter. Criteria: ACMG Guidelines, 2015. Collection method: clinical testing. Allele origin: germline.

Genome Diagnostics Laboratory, The Hospital for Sick Children
Classification: Likely benign for Noonan syndrome and Noonan-related syndrome. Last evaluated: 2016-12-12. Review status: criteria provided, single submitter. Criteria: ACMG Guidelines, 2015. Collection method: clinical testing. Allele origin: germline.

GeneDx
Classification: Benign. Last evaluated: 2012-04-02. Review status: criteria provided, single submitter. Criteria: GeneDx Variant Classification (06012015). Collection method: clinical testing. Allele origin: germline. Affected: yes.
Comment: This variant is considered likely benign or benign based on one or more of the following criteria: it is a conservative change, it occurs at a poorly conserved position in the protein, it is predicted to be benign by multiple in silico algorithms, and/or has population frequency not consistent with disease.

Laboratory for Molecular Medicine, Mass General Brigham Personalized Medicine
Classification: Benign. Last evaluated: 2012-03-19. Review status: criteria provided, single submitter. Criteria: LMM Criteria. Collection method: clinical testing. Allele origin: germline. Observed: 6 variant alleles.
Comment: p.Val904Ile in Exon 16 of CBL: This variant is not expected to have clinical sig nificance because it has been identified in 1.5% (57/3738) of African American c hromosomes from a broad population by the NHLBI Exome Sequencing Project (dbSNP rs17122769).

Breakthrough Genomics
Classification: Likely benign. Review status: criteria provided, single submitter. Criteria: ACMG Guidelines, 2015. Collection method: not provided. Allele origin: germline. Inheritance: Autosomal dominant inheritance. Affected: yes.

PreventionGenetics, part of Exact Sciences
Classification: Benign. Review status: criteria provided, single submitter. Criteria: ACMG Guidelines, 2015. Collection method: clinical testing. Allele origin: germline.

ITMI
No classification provided. Condition: AllHighlyPenetrant. Last evaluated: 2013-09-19. Review status: no classification provided. Collection method: reference population. Allele origin: germline. Not counted in ClinVar's aggregate classification.
Comment: Please see associated publication for description of ethnicities

Literature cited by the submitters: PubMed 25224413 (cited by Women's Health and Genetics/Laboratory Corporation of America, LabCorp); PubMed 21828135 (cited by Women's Health and Genetics/Laboratory Corporation of America, LabCorp); PubMed 23690417 (cited by Women's Health and Genetics/Laboratory Corporation of America, LabCorp); PubMed 19387008 (cited by Women's Health and Genetics/Laboratory Corporation of America, LabCorp); PubMed 19901108 (cited by Women's Health and Genetics/Laboratory Corporation of America, LabCorp); PubMed 20951944 (cited by Women's Health and Genetics/Laboratory Corporation of America, LabCorp); PubMed 19620960 (cited by Women's Health and Genetics/Laboratory Corporation of America, LabCorp); PubMed 22733026 (cited by Women's Health and Genetics/Laboratory Corporation of America, LabCorp); PubMed 29296819 (cited by Women's Health and Genetics/Laboratory Corporation of America, LabCorp); PubMed 27069254 (cited by Women's Health and Genetics/Laboratory Corporation of America, LabCorp); PubMed 28957739 (cited by Ambry Genetics); PubMed 24728327 (cited by ITMI).